The following is an entry in ClinVar:

NM_201384.3(PLEC):c.9577G>T (p.Gly3193Cys)

Gene: PLEC (plectin; minus strand). Cytogenetic location: 8q24.3.
Variant type: single nucleotide variant.
Coding change: c.9577G>T on transcript NM_201384.3 (MANE Select); coding-DNA position 9577, G replaced by T.
Protein change: p.Gly3193Cys; replaces glycine 3193 with cysteine.
Molecular consequence: missense variant.
Genome position (GRCh38, 1-based): chr8:143,920,244, C>A on the plus strand (G>T on the coding strand, the complement: PLEC is on the minus strand). VCF-style: chr8-143920244-C-A. GRCh37 (hg19) VCF-style: chr8-144994412-C-A.
Other names: c.9658G>T, p.Gly3220Cys (NM_000445.5); c.9535G>T, p.Gly3179Cys (NM_201378.4); c.9511G>T, p.Gly3171Cys (NM_201379.3); c.9988G>T, p.Gly3330Cys (NM_201380.4); c.9481G>T, p.Gly3161Cys (NM_201381.3); c.9577G>T, p.Gly3193Cys (NM_201382.4); c.9589G>T, p.Gly3197Cys (NM_201383.3); short protein forms G3161C, G3171C, G3179C, G3193C, G3197C, G3220C, G3330C.
Identifiers: ClinVar variation 497042 (VCV000497042.21), dbSNP rs201402970, ClinGen allele CA4924925.
Genomic context (GRCh38, chr8:143,920,244, plus strand): 5'-AGAGCGGCAGCAGGCTCAGCCCGGTCAGCTGGTCGGGCCGGCACCGCTGCTGGAGCTCGC[C>A]GTAGGTGGCCGGCTCCCCTGTGCTGGGGTCACTGTAGGCCTTGGCGTCGGCCCTTGGTGC-3'
Protein context (NP_958786.1, residues 3183-3203): DPSTGEPATY[Gly3193Cys]ELQQRCRPDQ

ClinVar aggregate classification (germline): Conflicting classifications of pathogenicity. Review status: criteria provided, conflicting classifications (1 of 4 stars). 6 submissions from 6 submitters: Uncertain significance (3); Likely benign (3). Last evaluated 2026-09-09.

Conditions:
Autosomal recessive limb-girdle muscular dystrophy type 2Q (LGMDR17). Also called: MUSCULAR DYSTROPHY, LIMB-GIRDLE, AUTOSOMAL RECESSIVE 17. Identifiers: Orphanet 254361, MedGen C3150989, MONDO:0013390, OMIM 613723.
Epidermolysis bullosa simplex 5B, with muscular dystrophy (EBS5B). Also called: EPIDERMOLYSIS BULLOSA SIMPLEX AND LIMB-GIRDLE MUSCULAR DYSTROPHY; Epidermolysis bullosa simplex with muscular dystrophy. Identifiers: Orphanet 257, MedGen C2931072, MONDO:0009181, OMIM 226670.
Epidermolysis bullosa simplex, Ogna type (EBS5A). Also called: Pidermolysis bullosa simplex 5A, Ogna type; EPIDERMOLYSIS BULLOSA SIMPLEX 5A, OGNA TYPE. Identifiers: Orphanet 79401, MedGen C0432317, MONDO:0007555, OMIM 131950.
Epidermolysis bullosa simplex with nail dystrophy (EBS5D). Identifiers: MedGen C4225309, MONDO:0014661, OMIM 616487.
Epidermolysis bullosa simplex 5C, with pyloric atresia (EBS5C). Also called: PLEC-Related Epidermolysis Bullosa with Pyloric Atresia; Epidermolysis bullosa simplex with pyloric atresia; PLEC1-Related Epidermolysis Bullosa with Pyloric Atresia. Identifiers: Orphanet 158684, MedGen C2677349, MONDO:0012807, OMIM 612138.
PLEC-related disorder. Also called: PLEC-related disorders; PLEC-related condition.
Inborn genetic diseases. Identifiers: MedGen C0950123, MeSH D030342.

Allele frequency attached by ClinVar (database versions not stated): ESP Exome Variant Server 0.00042; TOPMed 0.00045.
gnomAD v4.1: 125 of 1,600,096 alleles (0.0078%); highest among the groups gnomAD compares: African/African-American, 0.15%; no homozygotes.

Submissions (6):

PreventionGenetics, part of Exact Sciences
Classification: Likely benign for PLEC-related condition. Last evaluated: 2026-09-09. Review status: criteria provided, single submitter. Criteria: ACMG Guidelines, 2015. Collection method: clinical testing. Allele origin: germline.
Comment: This variant is classified as likely benign based on ACMG/AMP sequence variant interpretation guidelines (Richards et al. 2015 PMID: 25741868, with internal and published modifications).

Ambry Genetics
Classification: Uncertain significance for Inborn genetic diseases. Last evaluated: 2026-02-17. Review status: criteria provided, single submitter. Criteria: Ambry Variant Classification Scheme 2023. Collection method: clinical testing. Allele origin: germline.
Comment: The c.9658G>T (p.G3220C) alteration is located in exon 33 (coding exon 32) of the PLEC gene. This alteration results from a G to T substitution at nucleotide position 9658, causing the glycine (G) at amino acid position 3220 to be replaced by a cysteine (C). Based on data from gnomAD, the T allele has an overall frequency of 0.015% (38/250778) total alleles studied. The highest observed frequency was 0.158% (34/21508) of African alleles. Based on insufficient or conflicting evidence, the clinical significance of this alteration remains unclear.

Labcorp Genetics (formerly Invitae), Labcorp
Classification: Uncertain significance for Autosomal recessive limb-girdle muscular dystrophy type 2Q; Epidermolysis bullosa simplex, Ogna type; Epidermolysis bullosa simplex with nail dystrophy; Epidermolysis bullosa simplex 5C, with pyloric atresia; Epidermolysis bullosa simplex 5B, with muscular dystrophy. Last evaluated: 2026-01-21. Review status: criteria provided, single submitter. Criteria: Invitae Variant Classification Sherloc (09022015). Collection method: clinical testing. Allele origin: germline.
Comment: This sequence change replaces glycine, which is neutral and non-polar, with cysteine, which is neutral and slightly polar, at codon 3220 of the PLEC protein (p.Gly3220Cys). This variant is present in population databases (rs201402970, gnomAD 0.1%). This variant has not been reported in the literature in individuals affected with PLEC-related conditions. ClinVar contains an entry for this variant (Variation ID: 497042). An algorithm developed to predict the effect of missense changes on protein structure and function (PolyPhen-2) suggests that this variant is likely to be disruptive. In summary, the available evidence is currently insufficient to determine the role of this variant in disease. Therefore, it has been classified as a Variant of Uncertain Significance.

Revvity Omics, Revvity
Classification: Likely benign. Last evaluated: 2024-10-08. Review status: criteria provided, single submitter. Criteria: ACMG Guidelines, 2015. Collection method: clinical testing. Allele origin: germline.

GeneDx
Classification: Likely benign. Last evaluated: 2020-03-31. Review status: criteria provided, single submitter. Criteria: GeneDx Variant Classification Process June 2021. Collection method: clinical testing. Allele origin: germline. Affected: yes.

Eurofins Ntd Llc (ga)
Classification: Uncertain significance. Last evaluated: 2018-05-23. Review status: criteria provided, single submitter. Criteria: EGL ClinVar v180209 classification definitions. Collection method: clinical testing. Allele origin: germline. Observed: 7 variant alleles, 7 heterozygotes.